The following is an entry in ClinVar:

NM_001042492.3(NF1):c.6249del (p.Tyr2084fs)

Gene: NF1 (neurofibromin 1; plus strand). Cytogenetic location: 17q11.2.
Variant type: Deletion.
Coding change: c.6249del on transcript NM_001042492.3 (MANE Select); coding-DNA position 6249, one base deleted (C; older notation c.6249delC).
Protein change: p.Tyr2084fs; shifts the reading frame from tyrosine 2084.
Molecular consequence: frameshift variant.
Genome position (GRCh38, 1-based): chr17:31,336,736, C deleted. VCF-style (leftmost placement, unchanged base first): chr17-31336735-GC-G. GRCh37 (hg19) VCF-style: chr17-29663753-GC-G.
Other names: c.6186delC, p.Tyr2063Thrfs (NM_000267.4); short protein forms Y2063fs, Y2084fs.
Identifiers: ClinVar variation 1073578 (VCV001073578.5), dbSNP rs2151554607, ClinGen allele CA2499224188.

ClinVar aggregate classification (germline): Pathogenic (1 of 4 stars; one submission).

Conditions:
Neurofibromatosis, type 1 (NF1). Also called: VON RECKLINGHAUSEN DISEASE; Peripheral type neurofibromatosis; NEUROFIBROMATOSIS, TYPE I, SOMATIC; Neurofibromatosis, type I. Identifiers: Orphanet 636, MedGen C0027831, MONDO:0018975, OMIM 162200. Disease mechanism: loss of function.

Submission:

Labcorp Genetics (formerly Invitae), Labcorp
Classification: Pathogenic for Neurofibromatosis, type 1. Last evaluated: 2020-09-18. Review status: criteria provided, single submitter. Criteria: Invitae Variant Classification Sherloc (09022015). Collection method: clinical testing. Allele origin: germline.
Comment: For these reasons, this variant has been classified as Pathogenic. Loss-of-function variants in NF1 are known to be pathogenic (PMID: 10712197, 23913538). This variant has not been reported in the literature in individuals with NF1-related conditions. This variant is not present in population databases (ExAC no frequency). This sequence change creates a premature translational stop signal (p.Tyr2063Thrfs*3) in the NF1 gene. It is expected to result in an absent or disrupted protein product.

Literature cited by the submitters: PubMed 10712197; PubMed 23913538.